The following is an entry in ClinVar:

ClinVar aggregate classification (germline): Conflicting classifications of pathogenicity. Review status: criteria provided, conflicting classifications (1 of 4 stars). 7 submissions from 6 submitters: Uncertain significance (2); Likely benign (5). Last evaluated 2026-02-03.

Conditions:
RYR1-related disorder. Also called: RYR1-related condition; RYR1-related disorders. Identifiers: MedGen CN239331.
Malignant hyperthermia, susceptibility to, 1 (MHS1). Also called: RYR1-Related Malignant Hyperthermia Susceptibility; Anesthesia related hyperthermia; Malignant hyperpyrexia; Fulminating hyperpyrexia; Pharmacogenic myopathy; Malignant hyperthermia suceptibility 1. Identifiers: Orphanet 423, MedGen C2930980, MONDO:0007783, OMIM 145600.
Congenital multicore myopathy with external ophthalmoplegia (CMYO1B). Also called: Congenital myopathy 1B, autosomal recessive; Minicore myopathy; MULTICORE MYOPATHY; Minicore myopathy with external ophthalmoplegia; MULTIMINICORE DISEASE WITH EXTERNAL OPHTHALMOPLEGIA. Identifiers: Orphanet 598, Orphanet 98905, MedGen C1850674, MONDO:0009712, OMIM 255320, HP:0003789.

Allele frequency attached by ClinVar (database versions not stated): TOPMed 0.00031; gnomAD 0.00035 and 0.00036; ExAC 0.00038; gnomAD exomes 0.00039 and 0.00055; ESP Exome Variant Server 0.00062.
gnomAD v4.1: 838 of 1,613,996 alleles (0.052%); highest among the groups gnomAD compares: Non-Finnish European, 0.069%; no homozygotes.

Submissions (7):

Labcorp Genetics (formerly Invitae), Labcorp
Classification: Likely benign for RYR1-related disorder. Last evaluated: 2026-02-03. Review status: criteria provided, single submitter. Criteria: Invitae Variant Classification Sherloc (09022015). Collection method: clinical testing. Allele origin: germline.

Blueprint Genetics
Classification: Likely benign. Last evaluated: 2024-09-05. Review status: criteria provided, single submitter. Criteria: ACMG Guidelines, 2015. Collection method: clinical testing. Allele origin: germline.

Women's Health and Genetics/Laboratory Corporation of America, LabCorp
Classification: Likely benign. Last evaluated: 2024-07-12. Review status: criteria provided, single submitter. Criteria: LabCorp Variant Classification Summary - May 2015. Collection method: clinical testing. Allele origin: germline.
Comment: Variant summary: RYR1 c.11439+9G>A alters a non-conserved nucleotide located at a position not widely known to affect splicing. Consensus agreement among computation tools predict no significant impact on normal splicing. However, these predictions have yet to be confirmed by functional studies. The variant allele was found at a frequency of 0.00039 in 251358 control chromosomes, predominantly at a frequency of 0.00081 within the Non-Finnish European subpopulation in the gnomAD database. This frequency is not significantly higher than estimated for a pathogenic variant in RYR1 causing Myopathy, RYR1-Associated, allowing no conclusion about variant significance. To our knowledge, no occurrence of c.11439+9G>A in individuals affected with Myopathy, RYR1-Associated and no experimental evidence demonstrating its impact on protein function have been reported. ClinVar contains an entry for this variant (Variation ID: 256404). Based on the evidence outlined above, the variant was classified as likely benign.

Illumina Laboratory Services, Illumina
Classification: Uncertain significance for Congenital multicore myopathy with external ophthalmoplegia. Last evaluated: 2018-01-13. Review status: criteria provided, single submitter. Criteria: ICSL Variant Classification Criteria 13 December 2019. Collection method: clinical testing. Allele origin: germline.

Illumina Laboratory Services, Illumina
Classification: Uncertain significance for Malignant hyperthermia, susceptibility to, 1. Last evaluated: 2018-01-13. Review status: criteria provided, single submitter. Criteria: ICSL Variant Classification Criteria 13 December 2019. Collection method: clinical testing. Allele origin: germline.

GeneDx
Classification: Likely benign. Last evaluated: 2017-06-28. Review status: criteria provided, single submitter. Criteria: GeneDx Variant Classification (06012015). Collection method: clinical testing. Allele origin: germline. Affected: yes.
Comment: This variant is considered likely benign or benign based on one or more of the following criteria: it is a conservative change, it occurs at a poorly conserved position in the protein, it is predicted to be benign by multiple in silico algorithms, and/or has population frequency not consistent with disease.

PreventionGenetics, part of Exact Sciences
Classification: Likely benign. Review status: criteria provided, single submitter. Criteria: ACMG Guidelines, 2015. Collection method: clinical testing. Allele origin: germline.

NM_000540.3(RYR1):c.11439+9G>A

Gene: RYR1 (ryanodine receptor 1; plus strand). Cytogenetic location: 19q13.2.
Variant type: single nucleotide variant.
Coding change: c.11439+9G>A on transcript NM_000540.3 (MANE Select); 9 bases into the intron after coding-DNA position 11439, G replaced by A.
Molecular consequence: intron variant.
Genome position (GRCh38, 1-based): chr19:38,535,229, G>A. VCF-style: chr19-38535229-G-A. GRCh37 (hg19) VCF-style: chr19-39025869-G-A.
Other names: c.11424+9G>A (NM_001042723.2).
Identifiers: ClinVar variation 256404 (VCV000256404.20), dbSNP rs369650355, ClinGen allele CA056930.